The following is an entry in ClinVar:

NM_006073.4(TRDN):c.424+2T>C

Gene: TRDN (triadin; minus strand). Cytogenetic location: 6q22.31.
Variant type: single nucleotide variant.
Coding change: c.424+2T>C on transcript NM_006073.4 (MANE Select); the canonical splice donor site of the intron after coding-DNA position 424, T replaced by C.
Molecular consequence: splice donor variant.
Genome position (GRCh38, 1-based): chr6:123,547,338, A>G on the plus strand (T>C on the coding strand, the complement: TRDN is on the minus strand). VCF-style: chr6-123547338-A-G. GRCh37 (hg19) VCF-style: chr6-123868483-A-G.
Other names: c.424+2T>C (NM_001407315.1, NM_001251987.2, NM_001256020.2 and 2 more transcripts).
Identifiers: ClinVar variation 4841789 (VCV004841789.1).

ClinVar aggregate classification (germline): Uncertain significance (1 of 4 stars; one submission).

Conditions:
Cardiovascular phenotype. Identifiers: MedGen CN230736.

gnomAD v4.1: 33 of 1,455,840 alleles (0.0023%); highest among the groups gnomAD compares: Non-Finnish European, 0.003%; no homozygotes.

Submission:

Ambry Genetics
Classification: Uncertain significance for Cardiovascular phenotype. Last evaluated: 2026-03-04. Review status: criteria provided, single submitter. Criteria: Ambry Variant Classification Scheme 2023. Collection method: clinical testing. Allele origin: germline.
Comment: The c.424+2T>C intronic variant results from a T to C substitution two nucleotides after coding exon 4 of the TRDN gene. This nucleotide position is highly conserved in available vertebrate species. In silico splice site analysis predicts that this alteration will weaken the native splice donor site. Variants that disrupt the canonical splice site are expected to cause aberrant splicing, resulting in an abnormal protein or a transcript that is subject to nonsense-mediated mRNA decay; however, +2T>C variants are capable of generating wild-type transcripts in some genomic contexts and should be interpreted with caution (Lin JH et al. Hum Mutat. 2019 10;40:1856-1873). Based on the available evidence, the clinical significance of this variant remains unclear.